The following is an entry in ClinVar:

ClinVar aggregate classification (germline): Pathogenic (1 of 4 stars; one submission).

Conditions:
Rhabdoid tumor predisposition syndrome 2 (RTPS2). Identifiers: Orphanet 231108, Orphanet 69077, MedGen C2750074, MONDO:0013224, OMIM 613325.

Submission:

Labcorp Genetics (formerly Invitae), Labcorp
Classification: Pathogenic for Rhabdoid tumor predisposition syndrome 2. Last evaluated: 2022-01-17. Review status: criteria provided, single submitter. Criteria: Invitae Variant Classification Sherloc (09022015). Collection method: clinical testing. Allele origin: germline.
Comment: This variant is not present in population databases (gnomAD no frequency). This variant has not been reported in the literature in individuals affected with SMARCA4-related conditions. For these reasons, this variant has been classified as Pathogenic. This sequence change creates a premature translational stop signal (p.Met272Cysfs*31) in the SMARCA4 gene. It is expected to result in an absent or disrupted protein product. Loss-of-function variants in SMARCA4 are known to be pathogenic (PMID: 24658001, 24658002).

Literature cited by the submitters: PubMed 24658001; PubMed 24658002.

NM_003072.5(SMARCA4):c.810del (p.Met272fs)

Gene: SMARCA4 (SWI/SNF related BAF chromatin remodeling complex subunit ATPase 4; plus strand). Cytogenetic location: 19p13.2.
Variant type: Deletion.
Coding change: c.810del on transcript NM_003072.5 (MANE Select); coding-DNA position 810, one base deleted (C; older notation c.810delC).
Protein change: p.Met272fs; shifts the reading frame from methionine 272.
Molecular consequence: frameshift variant. On other transcripts: non-coding transcript variant (1).
Genome position (GRCh38, 1-based): chr19:10,986,954, C deleted; the last of 6 consecutive C bases (chr19:10,986,949-10,986,954); deleting any one gives the same sequence. VCF-style (leftmost placement, unchanged base first): chr19-10986948-GC-G. GRCh37 (hg19) VCF-style: chr19-11097624-GC-G.
Other names: c.810del, p.Met272fs (NM_001128844.3, NM_001128845.2, NM_001128846.2 and 5 more transcripts); c.810delC, p.Met272Cysfs (NM_001411150.1); short protein forms M272fs.
Identifiers: ClinVar variation 2087217 (VCV002087217.4), dbSNP rs1165714406, ClinGen allele CA505488699.